The following is an entry in ClinVar:

NM_001032283.3(TMPO):c.458G>T (p.Gly153Val)

Gene: TMPO (thymopoietin; plus strand). Cytogenetic location: 12q23.1.
Variant type: single nucleotide variant.
Coding change: c.458G>T on transcript NM_001032283.3 (MANE Select); coding-DNA position 458, G replaced by T.
Protein change: p.Gly153Val; replaces glycine 153 with valine.
Molecular consequence: missense variant.
Genome position (GRCh38, 1-based): chr12:98,531,731, G>T. VCF-style: chr12-98531731-G-T. GRCh37 (hg19) VCF-style: chr12-98925509-G-T.
Other names: c.458G>T, p.Gly153Val (NM_001032284.3, NM_001307975.2, NM_003276.2); short protein forms G153V.
Identifiers: ClinVar variation 4187423 (VCV004187423.1).
Genomic context (GRCh38, chr12:98,531,731, plus strand): 5'-TTAATCCAGGAACAACCAGGAAGCTATATGAGAAAAAGCTTTTGAAACTGAGGGAACAAG[G>T]AACAGAATCAAGATCTTCTACTCCTCTGCCAACAATTTCTTCTTCAGCAGAAAATACAAG-3'
Protein context (NP_001027454.1, residues 143-163): EKKLLKLREQ[Gly153Val]TESRSSTPLP

ClinVar aggregate classification (germline): Uncertain significance (1 of 4 stars; one submission).

Submission:

Ambry Genetics
Classification: Uncertain significance. Last evaluated: 2025-08-09. Review status: criteria provided, single submitter. Criteria: Ambry Variant Classification Scheme 2023. Collection method: clinical testing. Allele origin: germline.
Comment: The p.G153V variant (also known as c.458G>T), located in coding exon 3 of the TMPO gene, results from a G to T substitution at nucleotide position 458. The glycine at codon 153 is replaced by valine, an amino acid with dissimilar properties. This amino acid position is conserved. In addition, the in silico prediction for this alteration is inconclusive. Based on the available evidence, the clinical significance of this variant remains unclear.